The following is an entry in ClinVar:

NM_002180.3(IGHMBP2):c.928A>T (p.Thr310Ser)

Gene: IGHMBP2 (immunoglobulin mu DNA binding protein 2; plus strand). Cytogenetic location: 11q13.3.
Variant type: single nucleotide variant.
Coding change: c.928A>T on transcript NM_002180.3 (MANE Select); coding-DNA position 928, A replaced by T.
Protein change: p.Thr310Ser; replaces threonine 310 with serine.
Molecular consequence: missense variant.
Genome position (GRCh38, 1-based): chr11:68,917,751, A>T. VCF-style: chr11-68917751-A-T. GRCh37 (hg19) VCF-style: chr11-68685219-A-T.
Other names: short protein forms T310S.
Identifiers: ClinVar variation 565815 (VCV000565815.9), dbSNP rs747287368, ClinGen allele CA6153454.

ClinVar aggregate classification (germline): Uncertain significance (1 of 4 stars; one submission).

Conditions:
Autosomal recessive distal spinal muscular atrophy 1. Also called: NEURONOPATHY, SEVERE INFANTILE AXONAL, WITH RESPIRATORY FAILURE; SEVERE INFANTILE AXONAL NEUROPATHY WITH RESPIRATORY FAILURE; Spinal muscular atrophy with respiratory distress 1; NEURONOPATHY, DISTAL HEREDITARY MOTOR, HARDING TYPE VI; NEUROPATHY, DISTAL HEREDITARY MOTOR, AUTOSOMAL RECESSIVE 1; HMN VI. Identifiers: Orphanet 98920, MedGen C1858517, MONDO:0011436, OMIM 604320.
Charcot-Marie-Tooth disease axonal type 2S. Also called: CHARCOT-MARIE-TOOTH DISEASE, AXONAL, AUTOSOMAL RECESSIVE, TYPE 2S; CHARCOT-MARIE-TOOTH NEUROPATHY, TYPE 2S. Identifiers: Orphanet 443073, MedGen C4015349, MONDO:0014511, OMIM 616155.

Allele frequency attached by ClinVar (database versions not stated): gnomAD exomes below 0.00001 and 0.00001; ExAC 0.00001.

Submission:

Labcorp Genetics (formerly Invitae), Labcorp
Classification: Uncertain significance for Autosomal recessive distal spinal muscular atrophy 1; Charcot-Marie-Tooth disease axonal type 2S. Last evaluated: 2018-03-04. Review status: criteria provided, single submitter. Criteria: Invitae Variant Classification Sherloc (09022015). Collection method: clinical testing. Allele origin: germline.
Comment: This sequence change replaces threonine with serine at codon 310 of the IGHMBP2 protein (p.Thr310Ser). The threonine residue is weakly conserved and there is a small physicochemical difference between threonine and serine. This variant is present in population databases (rs747287368, ExAC 0.002%). This variant has not been reported in the literature in individuals with IGHMBP2-related disease. In summary, the available evidence is currently insufficient to determine the role of this variant in disease. Therefore, it has been classified as a Variant of Uncertain Significance. Algorithms developed to predict the effect of missense changes on protein structure and function (SIFT, PolyPhen-2, Align-GVGD) all suggest that this variant is likely to be tolerated, but these predictions have not been confirmed by published functional studies and their clinical significance is uncertain.